The following is an entry in ClinVar:

NM_005121.3(MED13):c.622T>A (p.Leu208Ile)

Gene: MED13 (mediator complex subunit 13; minus strand). Cytogenetic location: 17q23.2.
Variant type: single nucleotide variant.
Coding change: c.622T>A on transcript NM_005121.3 (MANE Select); coding-DNA position 622, T replaced by A.
Protein change: p.Leu208Ile; replaces leucine 208 with isoleucine.
Molecular consequence: missense variant.
Genome position (GRCh38, 1-based): chr17:62,033,979, A>T on the plus strand (T>A on the coding strand, the complement: MED13 is on the minus strand). VCF-style: chr17-62033979-A-T. GRCh37 (hg19) VCF-style: chr17-60111340-A-T.
Other names: short protein forms L208I.
Identifiers: ClinVar variation 2633395 (VCV002633395.1), dbSNP rs374379786, ClinGen allele CA400786406.

ClinVar aggregate classification (germline): Uncertain significance (1 of 4 stars; one submission).

Conditions:
MED13-related disorder. Also called: MED13-related condition.

Submission:

PreventionGenetics, part of Exact Sciences
Classification: Uncertain significance for MED13-related condition. Last evaluated: 2023-04-11. Review status: criteria provided, single submitter. Criteria: ACMG Guidelines, 2015. Collection method: clinical testing. Allele origin: germline.
Comment: The MED13 c.622T>A variant is predicted to result in the amino acid substitution p.Leu208Ile. To our knowledge, this variant has not been reported in the literature or in a large population database, indicating this variant is rare. At this time, the clinical significance of this variant is uncertain due to the absence of conclusive functional and genetic evidence.